The following is an entry in ClinVar:

ClinVar aggregate classification (germline): Uncertain significance. Review status: criteria provided, multiple submitters, no conflicts (2 of 4 stars). 2 submissions from 2 submitters: Uncertain significance (2). Last evaluated 2026-01-05.

Conditions:
Cardiovascular phenotype. Identifiers: MedGen CN230736.
Brugada syndrome. Also called: Sudden unexpected nocturnal death syndrome; Sudden Unexplained Death Syndrome; Sudden unexplained nocturnal death syndrome; Sudden Unexplained Nocturnal Death Syndrome (SUNDS). Identifiers: Orphanet 130, MedGen C1142166, MONDO:0015263.

Allele frequency attached by ClinVar (database versions not stated): gnomAD exomes 0.00001; ExAC 0.00002; gnomAD 0.00005; TOPMed 0.00005.
gnomAD v4.1: 27 of 1,613,894 alleles (0.0017%); highest among the groups gnomAD compares: African/African-American, 0.015%; no homozygotes.

Submissions (2):

Labcorp Genetics (formerly Invitae), Labcorp
Classification: Uncertain significance for Brugada syndrome. Last evaluated: 2026-01-05. Review status: criteria provided, single submitter. Criteria: Invitae Variant Classification Sherloc (09022015). Collection method: clinical testing. Allele origin: germline.
Comment: This sequence change replaces glutamic acid, which is acidic and polar, with lysine, which is basic and polar, at codon 423 of the SCN10A protein (p.Glu423Lys). The frequency data for this variant in the population databases is considered unreliable, as metrics indicate poor data quality at this position in the gnomAD database. This variant has not been reported in the literature in individuals affected with SCN10A-related conditions. ClinVar contains an entry for this variant (Variation ID: 1419201). Invitae Evidence Modeling of protein sequence and biophysical properties (such as structural, functional, and spatial information, amino acid conservation, physicochemical variation, residue mobility, and thermodynamic stability) indicates that this missense variant is not expected to disrupt SCN10A protein function with a negative predictive value of 80%. In summary, the available evidence is currently insufficient to determine the role of this variant in disease. Therefore, it has been classified as a Variant of Uncertain Significance.

Ambry Genetics
Classification: Uncertain significance for Cardiovascular phenotype. Last evaluated: 2024-02-01. Review status: criteria provided, single submitter. Criteria: Ambry Variant Classification Scheme 2023. Collection method: clinical testing. Allele origin: germline.
Comment: The p.E423K variant (also known as c.1267G>A), located in coding exon 9 of the SCN10A gene, results from a G to A substitution at nucleotide position 1267. The glutamic acid at codon 423 is replaced by lysine, an amino acid with similar properties. This amino acid position is well conserved in available vertebrate species. In addition, the in silico prediction for this alteration is inconclusive. Since supporting evidence is limited at this time, the clinical significance of this alteration remains unclear.

NM_006514.4(SCN10A):c.1267G>A (p.Glu423Lys)

Gene: SCN10A (sodium voltage-gated channel alpha subunit 10; minus strand). Cytogenetic location: 3p22.2.
Variant type: single nucleotide variant.
Coding change: c.1267G>A on transcript NM_006514.4 (MANE Select); coding-DNA position 1267, G replaced by A.
Protein change: p.Glu423Lys; replaces glutamic acid 423 with lysine.
Molecular consequence: missense variant.
Genome position (GRCh38, 1-based): chr3:38,756,697, C>T on the plus strand (G>A on the coding strand, the complement: SCN10A is on the minus strand). VCF-style: chr3-38756697-C-T. GRCh37 (hg19) VCF-style: chr3-38798188-C-T.
Other names: c.1267G>A, p.Glu423Lys (NM_001293306.2, NM_001293307.2); short protein forms E423K.
Identifiers: ClinVar variation 1419201 (VCV001419201.10), dbSNP rs748821446, ClinGen allele CA2320927.